The following is an entry in ClinVar:

NM_000179.3(MSH6):c.3391C>T (p.Leu1131Phe)

Gene: MSH6 (mutS homolog 6; plus strand). Cytogenetic location: 2p16.3.
Variant type: single nucleotide variant.
Coding change: c.3391C>T on transcript NM_000179.3 (MANE Select); coding-DNA position 3391, C replaced by T.
Protein change: p.Leu1131Phe; replaces leucine 1131 with phenylalanine.
Molecular consequence: missense variant.
Genome position (GRCh38, 1-based): chr2:47,803,638, C>T. VCF-style: chr2-47803638-C-T. GRCh37 (hg19) VCF-style: chr2-48030777-C-T.
Other names: c.3001C>T, p.Leu1001Phe (NM_001281492.2); c.2485C>T, p.Leu829Phe (NM_001281493.2, NM_001281494.2); short protein forms L1131F, L829F, L1001F.
Identifiers: ClinVar variation 941302 (VCV000941302.11), dbSNP rs1572735989, ClinGen allele CA346758850.

ClinVar aggregate classification (germline): Uncertain significance. Review status: criteria provided, multiple submitters, no conflicts (2 of 4 stars). 2 submissions from 2 submitters: Uncertain significance (2). Last evaluated 2024-03-17.

Conditions:
Hereditary nonpolyposis colorectal neoplasms. Identifiers: MedGen C0009405, MeSH D003123.
Hereditary cancer-predisposing syndrome. Also called: Hereditary neoplastic syndrome; Neoplastic Syndromes, Hereditary; Tumor predisposition; Hereditary Cancer Syndrome. Identifiers: Orphanet 140162, MedGen C0027672, MeSH D009386, MONDO:0015356.

Allele frequency attached by ClinVar (database versions not stated): gnomAD exomes below 0.00001; TOPMed below 0.00001.
gnomAD v4.1: 1 of 1,614,160 alleles (0.000062%); highest among the groups gnomAD compares: Non-Finnish European, 0.000085%; no homozygotes.

Submissions (2):

Ambry Genetics
Classification: Uncertain significance for Hereditary cancer-predisposing syndrome. Last evaluated: 2024-03-17. Review status: criteria provided, single submitter. Criteria: Ambry Variant Classification Scheme 2023. Collection method: clinical testing. Allele origin: germline.
Comment: The p.L1131F variant (also known as c.3391C>T), located in coding exon 5 of the MSH6 gene, results from a C to T substitution at nucleotide position 3391. The leucine at codon 1131 is replaced by phenylalanine, an amino acid with highly similar properties. This amino acid position is conserved. In addition, this alteration is predicted to be deleterious by in silico analysis. Based on the available evidence, the clinical significance of this alteration remains unclear.

Labcorp Genetics (formerly Invitae), Labcorp
Classification: Uncertain significance for Hereditary nonpolyposis colorectal neoplasms. Last evaluated: 2023-06-19. Review status: criteria provided, single submitter. Criteria: Invitae Variant Classification Sherloc (09022015). Collection method: clinical testing. Allele origin: germline.
Comment: In summary, the available evidence is currently insufficient to determine the role of this variant in disease. Therefore, it has been classified as a Variant of Uncertain Significance. Advanced modeling of protein sequence and biophysical properties (such as structural, functional, and spatial information, amino acid conservation, physicochemical variation, residue mobility, and thermodynamic stability) has been performed at Invitae for this missense variant, however the output from this modeling did not meet the statistical confidence thresholds required to predict the impact of this variant on MSH6 protein function. ClinVar contains an entry for this variant (Variation ID: 941302). This variant has not been reported in the literature in individuals affected with MSH6-related conditions. This variant is not present in population databases (gnomAD no frequency). This sequence change replaces leucine, which is neutral and non-polar, with phenylalanine, which is neutral and non-polar, at codon 1131 of the MSH6 protein (p.Leu1131Phe).